The following is an entry in ClinVar:

ClinVar aggregate classification (germline): Pathogenic (1 of 4 stars; one submission).

Conditions:
Agenesis of the corpus callosum with peripheral neuropathy (ACCPN). Also called: CHARLEVOIX DISEASE; POLYNEUROPATHY, SENSORIMOTOR, WITH OR WITHOUT AGENESIS OF THE CORPUS CALLOSUM; HMSN/ACC; Hereditary Motor and Sensory Neuropathy with Agenesis of the Corpus Callosum. Identifiers: Orphanet 1496, MedGen C0795950, MONDO:0000902, OMIM 218000. Disease mechanism: loss of function.

gnomAD v4.1: 1 of 1,611,574 alleles (0.000062%); highest among the groups gnomAD compares: Non-Finnish European, 0.000085%; no homozygotes.

Submission:

Myriad Genetics, Inc.
Classification: Pathogenic for Agenesis of the corpus callosum with peripheral neuropathy. Last evaluated: 2023-09-07. Review status: criteria provided, single submitter. Criteria: Myriad Autosomal Dominant, Autosomal Recessive and X-Linked Classification Criteria (2023). Collection method: clinical testing. Allele origin: unknown.
Comment: NM_133647.1(SLC12A6):c.2794C>T(Q932*) is expected to be pathogenic in the context of Andermann syndrome. This variant is predicted to lead to an abnormal or absent protein product due to the creation of a premature termination codon in SLC12A6, a gene where loss-of-function variants are known to be pathogenic. Please note: this variant was assessed in the context of healthy population screening.

NM_001365088.1(SLC12A6):c.2794C>T (p.Gln932Ter)

Gene: SLC12A6 (solute carrier family 12 member 6; minus strand). Cytogenetic location: 15q14.
Variant type: single nucleotide variant.
Coding change: c.2794C>T on transcript NM_001365088.1 (MANE Select); coding-DNA position 2794, C replaced by T.
Protein change: p.Gln932Ter; replaces glutamine 932 with a stop codon.
Molecular consequence: nonsense.
Genome position (GRCh38, 1-based): chr15:34,238,240, G>A on the plus strand (C>T on the coding strand, the complement: SLC12A6 is on the minus strand). VCF-style: chr15-34238240-G-A. GRCh37 (hg19) VCF-style: chr15-34530441-G-A.
Other names: c.2617C>T, p.Gln873Ter (NM_001042494.2, NM_001042495.2); c.2767C>T, p.Gln923Ter (NM_001042496.2); c.2749C>T, p.Gln917Ter (NM_001042497.2); c.2641C>T, p.Gln881Ter (NM_005135.2); c.2794C>T, p.Gln932Ter (NM_133647.2); short protein forms Q873*, Q881*, Q917*, Q923*, Q932*.
Identifiers: ClinVar variation 5011588 (VCV005011588.1).